The following is an entry in ClinVar:

NM_021625.5(TRPV4):c.2575G>T (p.Gly859Cys)

Gene: TRPV4 (transient receptor potential cation channel subfamily V member 4; minus strand). Cytogenetic location: 12q24.11.
Variant type: single nucleotide variant.
Coding change: c.2575G>T on transcript NM_021625.5 (MANE Select); coding-DNA position 2575, G replaced by T.
Protein change: p.Gly859Cys; replaces glycine 859 with cysteine.
Molecular consequence: missense variant.
Genome position (GRCh38, 1-based): chr12:109,783,662, C>A on the plus strand (G>T on the coding strand, the complement: TRPV4 is on the minus strand). VCF-style: chr12-109783662-C-A. GRCh37 (hg19) VCF-style: chr12-110221467-C-A.
Other names: c.2473G>T, p.Gly825Cys (NM_001177431.2); c.2254G>T, p.Gly752Cys (NM_001177433.2); c.2395G>T, p.Gly799Cys (NM_147204.3); c.2434G>T, p.Gly812Cys (NM_001177428.2); short protein forms G752C, G799C, G812C, G825C, G859C.
Identifiers: ClinVar variation 1714744 (VCV001714744.5), dbSNP rs1170174196, ClinGen allele CA386648354.

ClinVar aggregate classification (germline): Uncertain significance (1 of 4 stars; one submission).

Conditions:
Charcot-Marie-Tooth disease axonal type 2C (HMSN2C). Also called: CHARCOT-MARIE-TOOTH DISEASE, AXONAL, AUTOSOMAL DOMINANT, TYPE 2C; Charcot-Marie-Tooth Neuropathy Type 2C; Charcot-Marie-Tooth Disease Type 2, TRPV4-Related (CMT2C). Identifiers: Orphanet 99937, MedGen C1853710, MONDO:0011633, OMIM 606071.

Submission:

Labcorp Genetics (formerly Invitae), Labcorp
Classification: Uncertain significance for Charcot-Marie-Tooth disease axonal type 2C. Last evaluated: 2022-08-01. Review status: criteria provided, single submitter. Criteria: Invitae Variant Classification Sherloc (09022015). Collection method: clinical testing. Allele origin: germline.
Comment: This variant is not present in population databases (gnomAD no frequency). In summary, the available evidence is currently insufficient to determine the role of this variant in disease. Therefore, it has been classified as a Variant of Uncertain Significance. Advanced modeling of protein sequence and biophysical properties (such as structural, functional, and spatial information, amino acid conservation, physicochemical variation, residue mobility, and thermodynamic stability) performed at Invitae indicates that this missense variant is not expected to disrupt TRPV4 protein function. This variant has not been reported in the literature in individuals affected with TRPV4-related conditions. This sequence change replaces glycine, which is neutral and non-polar, with cysteine, which is neutral and slightly polar, at codon 859 of the TRPV4 protein (p.Gly859Cys).